The following is an entry in ClinVar:

NM_007294.4(BRCA1):c.226A>C (p.Ser76Arg)

Gene: BRCA1 (BRCA1 DNA repair associated; minus strand). Cytogenetic location: 17q21.31.
Variant type: single nucleotide variant.
Coding change: c.226A>C on transcript NM_007294.4 (MANE Select); coding-DNA position 226, A replaced by C.
Protein change: p.Ser76Arg; replaces serine 76 with arginine.
Molecular consequence: missense variant. On other transcripts: non-coding transcript variant (1).
Genome position (GRCh38, 1-based): chr17:43,104,943, T>G on the plus strand (A>C on the coding strand, the complement: BRCA1 is on the minus strand). VCF-style: chr17-43104943-T-G. GRCh37 (hg19) VCF-style: chr17-41256960-T-G.
Other names: c.16A>C, p.Ser6Arg (NM_001407571.1, NM_001407853.1, NM_001407879.1 and 58 more transcripts); c.226A>C, p.Ser76Arg (NM_001407581.1, NM_001407582.1, NM_001407583.1 and 168 more transcripts); c.148A>C, p.Ser50Arg (NM_001407653.1, NM_001407654.1, NM_001407655.1 and 21 more transcripts); c.85A>C, p.Ser29Arg (NM_001407692.1, NM_001407694.1, NM_001407695.1 and 99 more transcripts); c.-156A>C (NM_001407959.1, NM_001407960.1, NM_001407962.1 and 4 more transcripts); c.94A>C, p.Ser32Arg (NM_001408451.1); short protein forms S29R, S76R, S32R, S6R, S50R.
Identifiers: ClinVar variation 867984 (VCV000867984.3), dbSNP rs2054695336, ClinGen allele CA10601710.

Conditions:
Breast-ovarian cancer, familial, susceptibility to, 1 (BROVCA1). Also called: BRCA1 Hereditary Breast and Ovarian Cancer; OVARIAN CANCER, SUSCEPTIBILITY TO. Identifiers: Orphanet 145, MedGen C2676676, MONDO:0011450, OMIM 604370. Disease mechanism: loss of function.

Submission:

Brotman Baty Institute, University of Washington
No classification provided (evidence only). Condition: Breast-ovarian cancer, familial 1. Review status: no classification provided. Collection method: in vitro. Allele origin: not applicable. Functional consequence: functionally_normal.
ClinVar note: "not provided" was previously submitted as the classification for the variant. However, the classification appeared to be based only on an observation of functional data so it was converted to no classification on 2025-07-30.